The following is an entry in ClinVar:

ClinVar aggregate classification (germline): Uncertain significance (1 of 4 stars; one submission).

Submission:

CeGaT Center for Human Genetics Tuebingen
Classification: Uncertain significance. Last evaluated: 2024-07-01. Review status: criteria provided, single submitter. Criteria: CeGaT Center For Human Genetics Tuebingen Variant Classification Criteria Version 2. Collection method: clinical testing. Allele origin: germline. Affected: yes. Observed: 1 variant allele.
Comment: TUBB8: PM2, PP2

NM_177987.3(TUBB8):c.1199G>A (p.Gly400Asp)

Gene: TUBB8 (tubulin beta 8 class VIII; minus strand). Cytogenetic location: 10p15.3.
Variant type: single nucleotide variant.
Coding change: c.1199G>A on transcript NM_177987.3 (MANE Select); coding-DNA position 1199, G replaced by A.
Protein change: p.Gly400Asp; replaces glycine 400 with aspartic acid.
Molecular consequence: missense variant.
Genome position (GRCh38, 1-based): chr10:47,193, C>T on the plus strand (G>A on the coding strand, the complement: TUBB8 is on the minus strand). VCF-style: chr10-47193-C-T. GRCh37 (hg19) VCF-style: chr10-93133-C-T.
Other names: c.983G>A, p.Gly328Asp (NM_001389618.1, NM_001389619.1); short protein forms G328D, G400D.
Identifiers: ClinVar variation 3257507 (VCV003257507.17).